The following is an entry in ClinVar:

ClinVar aggregate classification (germline): Uncertain significance (1 of 4 stars; one submission).

Submission:

Ambry Genetics
Classification: Uncertain significance. Last evaluated: 2024-12-14. Review status: criteria provided, single submitter. Criteria: Ambry Variant Classification Scheme 2023. Collection method: clinical testing. Allele origin: germline.
Comment: The p.I254V variant (also known as c.760A>G), located in coding exon 2 of the WNK2 gene, results from an A to G substitution at nucleotide position 760. The isoleucine at codon 254 is replaced by valine, an amino acid with highly similar properties. This amino acid position is conserved. In addition, the in silico prediction for this alteration is inconclusive. Based on the available evidence, the clinical significance of this variant remains unclear.

NM_006648.4(WNK2):c.760A>G (p.Ile254Val)

Gene: WNK2 (WNK lysine deficient protein kinase 2; plus strand). Cytogenetic location: 9q22.31.
Variant type: single nucleotide variant.
Coding change: c.760A>G on transcript NM_006648.4 (MANE Select); coding-DNA position 760, A replaced by G.
Protein change: p.Ile254Val; replaces isoleucine 254 with valine.
Molecular consequence: missense variant.
Genome position (GRCh38, 1-based): chr9:93,229,774, A>G. VCF-style: chr9-93229774-A-G. GRCh37 (hg19) VCF-style: chr9-95992056-A-G.
Other names: c.760A>G, p.Ile254Val (NM_001282394.3); short protein forms I254V.
Identifiers: ClinVar variation 3816458 (VCV003816458.1).